The following is an entry in ClinVar:

ClinVar aggregate classification (germline): Pathogenic. Review status: reviewed by expert panel (3 of 4 stars). 48 submissions from 46 submitters: Pathogenic (1). 47 of the submissions do not count toward it. Last evaluated 2019-06-18.

Conditions:
BRCA2-related cancer predisposition. Identifiers: MedGen CN377758, MONDO:0700269.
Inherited breast cancer and ovarian cancer.
BRCA2-related disorder. Also called: BRCA2-related condition; BRCA2-related disorders. Identifiers: MedGen CN239275.
Breast and/or ovarian cancer. Identifiers: MedGen CN221562.
Hereditary cancer-predisposing syndrome. Also called: Neoplastic Syndromes, Hereditary; Tumor predisposition; Hereditary Cancer Syndrome; Hereditary neoplastic syndrome. Identifiers: Orphanet 140162, MedGen C0027672, MeSH D009386, MONDO:0015356.
Hereditary breast ovarian cancer syndrome. Also called: Hereditary breast and ovarian cancer; Breast and ovarian cancer; Hereditary breast and/or ovarian cancer syndrome; Hereditary breast and ovarian cancer syndrome (HBOC); Hereditary breast and ovarian cancer syndrome; BRCA1- and BRCA2-Associated Hereditary Breast and Ovarian Cancer. Identifiers: Orphanet 145, MedGen C0677776, MeSH D061325, MONDO:0003582. Disease mechanism: loss of function.
Breast-ovarian cancer, familial, susceptibility to, 2 (BROVCA2). Also called: BRCA2 Hereditary Breast and Ovarian Cancer. Identifiers: Orphanet 145, MedGen C2675520, MONDO:0012933, OMIM 612555. Disease mechanism: loss of function.
Breast-ovarian cancer, familial, susceptibility to, 1 (BROVCA1). Also called: OVARIAN CANCER, SUSCEPTIBILITY TO; BRCA1 Hereditary Breast and Ovarian Cancer. Identifiers: Orphanet 145, MedGen C2676676, MONDO:0011450, OMIM 604370. Disease mechanism: loss of function.
Familial cancer of breast. Also called: BREAST CANCER, FAMILIAL; Hereditary breast cancer; hereditary breast carcinoma. Identifiers: Orphanet 227535, MedGen C0346153, MONDO:0016419, OMIM 114480. Disease mechanism: loss of function.
Malignant tumor of breast. Also called: Malignant breast neoplasm; Cancer breast. Identifiers: MedGen C0006142, MONDO:0007254. Disease mechanism: loss of function.

Allele frequency attached by ClinVar (database versions not stated): gnomAD exomes below 0.00001; TOPMed below 0.00001; gnomAD 0.00001.
gnomAD v4.1: 3 of 1,613,530 alleles (0.00019%); highest among the groups gnomAD compares: Non-Finnish European, 0.00025%; no homozygotes.

Submissions 1 to 8 of 48:

Evidence-based Network for the Interpretation of Germline Mutant Alleles (ENIGMA)
Classification: Pathogenic for Breast-ovarian cancer, familial, susceptibility to, 2. Last evaluated: 2019-06-18. Review status: reviewed by expert panel. Criteria: ENIGMA BRCA1/2 Classification Criteria (2017-06-29). Collection method: curation. Allele origin: germline.
Comment: IARC class based on posterior probability from multifactorial likelihood analysis, thresholds for class as per Plon et al. 2008 (PMID: 18951446). Class 5 based on posterior probability = 1

Institute of Human Genetics, University of Leipzig Medical Center
Classification: Pathogenic for Breast-ovarian cancer, familial, susceptibility to, 2. Last evaluated: 2026-06-22. Review status: criteria provided, single submitter. Criteria: ACMG Guidelines, 2015. Collection method: clinical testing. Allele origin: unknown. Inheritance: Autosomal recessive inheritance. Affected: yes. Not counted in ClinVar's aggregate classification.
Comment: Criteria applied: PP4_VSTR,PS3

Cambridge Genomics Laboratory, East Genomic Laboratory Hub, NHS Genomic Medicine Service
Classification: Pathogenic for Inherited breast cancer and ovarian cancer. Last evaluated: 2026-04-14. Review status: criteria provided, single submitter. Criteria: ACGS Best Practice Guidelines for Variant Classification in Rare Disease 2020. Collection method: clinical testing. Allele origin: germline. Affected: yes. Not counted in ClinVar's aggregate classification.
Comment: PS3,PS4,PM2_Supporting,PP3,PP4_Very Strong

Genetics Laboratory, Great Ormond Street Hospital NHS Foundation Trust, North Thames Genomic Laboratory Hub
Classification: Pathogenic for Inherited breast cancer and ovarian cancer. Last evaluated: 2026-03-23. Review status: criteria provided, single submitter. Criteria: CanVIG BRCA Gene Specific V1.22. Collection method: clinical testing. Allele origin: germline. Affected: yes. Not counted in ClinVar's aggregate classification.
Comment: PS4_strong, PM2_supporting, PP3_supporting, PS3_strong, PP4_strong

Labcorp Genetics (formerly Invitae), Labcorp
Classification: Pathogenic for Hereditary breast ovarian cancer syndrome. Last evaluated: 2026-01-26. Review status: criteria provided, single submitter. Criteria: Invitae Variant Classification Sherloc (09022015). Collection method: clinical testing. Allele origin: germline. Not counted in ClinVar's aggregate classification.
Comment: This sequence change replaces asparagine, which is neutral and polar, with isoleucine, which is neutral and non-polar, at codon 3124 of the BRCA2 protein (p.Asn3124Ile). This variant is present in population databases (rs28897759, gnomAD 0.002%). This missense change has been observed in individual(s) with breast and/or ovarian cancer (PMID: 11102977, 16284991, 18703817, 21120943, 21232165, 21965345, 22366370, 22729890, 25948282). It is commonly reported in individuals of Polish and German ancestry (PMID: 11802209, 20383589, 24728577, 25948282). This variant is also known as 9599A>T and p. Asn312lle. ClinVar contains an entry for this variant (Variation ID: 38233). Invitae Evidence Modeling incorporating data from in vitro experimental studies (PMID: 33609447) indicates that this missense variant is expected to disrupt BRCA2 function with a positive predictive value of 95%. Experimental studies have shown that this missense change affects BRCA2 function (PMID: 22678057, 23108138). For these reasons, this variant has been classified as Pathogenic.

Institute of Human Genetics, University of Leipzig Medical Center
Classification: Pathogenic for Familial cancer of breast. Last evaluated: 2026-01-05. Review status: criteria provided, single submitter. Criteria: ACMG Guidelines, 2015. Collection method: clinical testing. Allele origin: unknown. Affected: yes. Not counted in ClinVar's aggregate classification.
Comment: the same text as in the submission from Institute of Human Genetics, University of Leipzig Medical Center above.

Quest Diagnostics Nichols Institute San Juan Capistrano
Classification: Pathogenic. Last evaluated: 2025-09-30. Review status: criteria provided, single submitter. Criteria: Quest Diagnostics criteria. Collection method: clinical testing. Allele origin: unknown. Not counted in ClinVar's aggregate classification.
Comment: The BRCA2 c.9371A>T (p.Asn3124Ile) variant has been reported in the published literature in individuals and families with breast and/or ovarian cancer (PMIDs: 31360904 (2019), 30613976 (2019), 29161300 (2017), 24728577 (2014), 25085752 (2014), 22729890 (2012) and 11139248 (2001)). It has also been reported in an individual with pancreatic cancer (PMID: 25948282 (2018)). Functional studies demonstrate that this variant is damaging to BRCA2 protein function (PMIDs: 39779857 (2025), 37922907 (2023), 35736817 (2022), 33964450 (2021), 32444794 (2020), 29988080 (2019), 29394989 (2018), 23108138 (2013), 22678057 (2012), and 22729890 (2012)). Multifactorial analyses have reported likelihood ratios favoring pathogenicity (PMIDs: 31853058 (2020) and 31131967 (2019)). In addition, this variant has been described as a recurrent pathogenic variant in the Polish population (PMIDs: 28324225 (2017) and 26843898 (2016)). In a large scale breast cancer association study, this variant has been observed in breast cancer cases and a reportedly unaffected individual (PMID: 33471991 (2021), see also LOVD). The frequency of this variant in the general population (Genome Aggregation Database) is uninformative in the assessment of its pathogenicity. Based on the available information, this variant is classified as pathogenic.

CeGaT Center for Human Genetics Tuebingen
Classification: Pathogenic. Last evaluated: 2025-09-01. Review status: criteria provided, single submitter. Criteria: CeGaT Center For Human Genetics Tuebingen Variant Classification Criteria Version 2. Collection method: clinical testing. Allele origin: germline. Affected: yes. Observed: 4 variant alleles. Not counted in ClinVar's aggregate classification.
Comment: BRCA2: PS4, PM2, PP1:Moderate, PS3:Moderate

NM_000059.4(BRCA2):c.9371A>T (p.Asn3124Ile)

Gene: BRCA2 (BRCA2 DNA repair associated; plus strand). Cytogenetic location: 13q13.1.
Variant type: single nucleotide variant.
Coding change: c.9371A>T on transcript NM_000059.4 (MANE Select); coding-DNA position 9371, A replaced by T.
Protein change: p.Asn3124Ile; replaces asparagine 3124 with isoleucine.
Molecular consequence: missense variant.
Genome position (GRCh38, 1-based): chr13:32,394,803, A>T. VCF-style: chr13-32394803-A-T. GRCh37 (hg19) VCF-style: chr13-32968940-A-T.
Other names: 9599A>T; c.9371A>T (NM_001432077.1); short protein forms N3124I.
Identifiers: ClinVar variation 38233 (VCV000038233.127), dbSNP rs28897759, ClinGen allele CA026119.
Genomic context (GRCh38, chr13:32,394,803, plus strand): 5'-AGTTTTGGATAGACCTTAATGAGGACATTATTAAGCCTCATATGTTAATTGCTGCAAGCA[A>T]CCTCCAGTGGCGACCAGAATCCAAATCAGGCCTTCTTACTTTATTTGCTGGAGATTTTTC-3'
Protein context (NP_000050.3, residues 3114-3134): IKPHMLIAAS[Asn3124Ile]LQWRPESKSG